The following is an entry in ClinVar:

ClinVar aggregate classification (germline): Conflicting classifications of pathogenicity. Review status: criteria provided, conflicting classifications (1 of 4 stars). 3 submissions from 3 submitters: Uncertain significance (1); Likely benign (2). Last evaluated 2026-01-23.

Conditions:
Inborn genetic diseases. Identifiers: MedGen C0950123, MeSH D030342.

Allele frequency attached by ClinVar (database versions not stated): ExAC 0.00006; gnomAD 0.00007; TOPMed 0.00008.
gnomAD v4.1: 288 of 1,613,658 alleles (0.018%); highest among the groups gnomAD compares: Middle Eastern, 0.099%; no homozygotes.

Submissions (3):

Labcorp Genetics (formerly Invitae), Labcorp
Classification: Uncertain significance. Last evaluated: 2026-01-23. Review status: criteria provided, single submitter. Criteria: Invitae Variant Classification Sherloc (09022015). Collection method: clinical testing. Allele origin: germline.
Comment: This sequence change replaces serine, which is neutral and polar, with leucine, which is neutral and non-polar, at codon 384 of the COL10A1 protein (p.Ser384Leu). This variant is present in population databases (rs199843000, gnomAD 0.01%). This variant has not been reported in the literature in individuals affected with COL10A1-related conditions. ClinVar contains an entry for this variant (Variation ID: 2375882). An algorithm developed to predict the effect of missense changes on protein structure and function outputs the following: PolyPhen-2: "Not Available". The leucine amino acid residue is found in multiple mammalian species, which suggests that this missense change does not adversely affect protein function. In summary, the available evidence is currently insufficient to determine the role of this variant in disease. Therefore, it has been classified as a Variant of Uncertain Significance.

Blueprint Genetics
Classification: Likely benign. Last evaluated: 2024-11-26. Review status: criteria provided, single submitter. Criteria: ACMG Guidelines, 2015. Collection method: clinical testing. Allele origin: germline.

Ambry Genetics
Classification: Likely benign for Inborn genetic diseases. Last evaluated: 2021-09-01. Review status: criteria provided, single submitter. Criteria: Ambry Variant Classification Scheme 2023. Collection method: clinical testing. Allele origin: germline.

NM_000493.4(COL10A1):c.1151C>T (p.Ser384Leu)

Genes: COL10A1 (collagen type X alpha 1 chain; minus strand), NT5DC1 (5'-nucleotidase domain containing 1; plus strand). Cytogenetic location: 6q22.1.
Variant type: single nucleotide variant.
Coding change: c.1151C>T on transcript NM_000493.4 (MANE Select); coding-DNA position 1151, C replaced by T.
Protein change: p.Ser384Leu; replaces serine 384 with leucine.
Molecular consequence: missense variant. On other transcripts: intron variant (1).
Genome position (GRCh38, 1-based): chr6:116,120,965, G>A on the plus strand (C>T on the coding strand, the complement: COL10A1 is on the minus strand). VCF-style: chr6-116120965-G-A. GRCh37 (hg19) VCF-style: chr6-116442128-G-A.
Other names: c.1151C>T, p.Ser384Leu (NM_001424106.1, NM_001424107.1); c.529+3020G>A (NM_152729.3); short protein forms S384L.
Identifiers: ClinVar variation 2375882 (VCV002375882.6), dbSNP rs199843000, ClinGen allele CA3968242.
Genomic context (GRCh38, chr6:116,120,965, plus strand): 5'-CCTGGGTTACCCTTAGGACCATCGAGACCTGGTTTTCCTGGGTACCCTGGTTTTCCATCT[G>A]ACCCAGGGGAACCCCTTTCACCCTTAGCCCCAGGGTATCCTGCAGGCCCAGCTGGCCCTG-3'
Protein context (NP_000484.2, residues 374-394): GAKGERGSPG[Ser384Leu]DGKPGYPGKP